The following is an entry in ClinVar:

NM_005744.5(ARIH1):c.255C>T (p.Gly85=)

Gene: ARIH1 (ariadne RBR E3 ubiquitin protein ligase 1; plus strand). Cytogenetic location: 15q24.1.
Variant type: single nucleotide variant.
Coding change: c.255C>T on transcript NM_005744.5 (MANE Select); coding-DNA position 255, C replaced by T.
Protein change: p.Gly85=; no amino-acid change (glycine 85 retained).
Molecular consequence: synonymous variant.
Genome position (GRCh38, 1-based): chr15:72,474,894, C>T. VCF-style: chr15-72474894-C-T. GRCh37 (hg19) VCF-style: chr15-72767235-C-T.
Identifiers: ClinVar variation 3037705 (VCV003037705.4), dbSNP rs754910711, ClinGen allele CA7645457.

ClinVar aggregate classification (germline): Likely benign. Review status: criteria provided, single submitter (1 of 4 stars). 2 submissions from 2 submitters: Likely benign (1). 1 of the submissions does not count toward it. Last evaluated 2024-12-12.

Conditions:
ARIH1-related disorder. Also called: ARIH1-related condition.

Allele frequency attached by ClinVar (database versions not stated): ExAC 0.00035; gnomAD exomes 0.00046.

Submissions (2):

Labcorp Genetics (formerly Invitae), Labcorp
Classification: Likely benign. Last evaluated: 2024-12-12. Review status: criteria provided, single submitter. Criteria: Invitae Variant Classification Sherloc (09022015). Collection method: clinical testing. Allele origin: germline.

PreventionGenetics, part of Exact Sciences
Classification: Likely benign for ARIH1-related condition. Last evaluated: 2019-12-23. Review status: no assertion criteria provided. Collection method: clinical testing. Allele origin: germline. Not counted in ClinVar's aggregate classification.
Comment: This variant is classified as likely benign based on ACMG/AMP sequence variant interpretation guidelines (Richards et al. 2015 PMID: 25741868, with internal and published modifications).